The following is an entry in ClinVar:

ClinVar aggregate classification (germline): Likely benign. Review status: criteria provided, multiple submitters, no conflicts (2 of 4 stars). 3 submissions from 3 submitters: Likely benign (3). Last evaluated 2026-02-01.

Conditions:
ALG1-congenital disorder of glycosylation. Also called: ALG1-CDG; CONGENITAL DISORDER OF GLYCOSYLATION, TYPE Ik; CDG Ik. Identifiers: Orphanet 79327, MedGen C2931005, MONDO:0012052, OMIM 608540.

Allele frequency attached by ClinVar (database versions not stated): gnomAD exomes below 0.00001 and 0.00006; TOPMed 0.00002; gnomAD 0.00003; ExAC 0.00015.
gnomAD v4.1: 8 of 1,421,406 alleles (0.00056%); highest among the groups gnomAD compares: East Asian, 0.021%; no homozygotes.

Submissions (3):

Labcorp Genetics (formerly Invitae), Labcorp
Classification: Likely benign for ALG1-congenital disorder of glycosylation. Last evaluated: 2026-02-01. Review status: criteria provided, single submitter. Criteria: Invitae Variant Classification Sherloc (09022015). Collection method: clinical testing. Allele origin: germline.

ARUP Laboratories, Molecular Genetics and Genomics, ARUP Laboratories
Classification: Likely benign for ALG1-congenital disorder of glycosylation. Last evaluated: 2024-05-14. Review status: criteria provided, single submitter. Criteria: ARUP Molecular Germline Variant Investigation Process 2024. Collection method: clinical testing. Allele origin: germline.

GeneDx
Classification: Likely benign. Last evaluated: 2017-09-15. Review status: criteria provided, single submitter. Criteria: GeneDx Variant Classification (06012015). Collection method: clinical testing. Allele origin: germline. Affected: yes.
Comment: This variant is considered likely benign or benign based on one or more of the following criteria: it is a conservative change, it occurs at a poorly conserved position in the protein, it is predicted to be benign by multiple in silico algorithms, and/or has population frequency not consistent with disease.

NC_000016.10:g.5072069A>G

Genes: ALG1 (ALG1 chitobiosyldiphosphodolichol beta-mannosyltransferase; plus strand), LOC130058384 (ATAC-STARR-seq lymphoblastoid active region 10349; plus strand). Cytogenetic location: 16p13.3.
Variant type: single nucleotide variant.
Genome position: GRCh38 VCF-style: chr16-5072069-A-G. GRCh37 (hg19) VCF-style: chr16-5122070-A-G.
Identifiers: ClinVar variation 511812 (VCV000511812.10), dbSNP rs777062447, ClinGen allele CA7889700.